The following is an entry in ClinVar:

ClinVar aggregate classification (germline): Likely benign (1 of 4 stars; one submission).

Conditions:
Catecholaminergic polymorphic ventricular tachycardia (CVPT). Also called: Catecholamine-induced polymorphic ventricular tachycardia. Identifiers: Orphanet 3286, MedGen C5574922, MONDO:0017990.

Allele frequency attached by ClinVar (database versions not stated): gnomAD exomes below 0.00001.
gnomAD v4.1: 1 of 1,614,016 alleles (0.000062%); highest among the groups gnomAD compares: Non-Finnish European, 0.000085%; no homozygotes.

Submission:

All of Us Research Program, National Institutes of Health
Classification: Likely benign for Catecholaminergic polymorphic ventricular tachycardia. Last evaluated: 2022-12-22. Review status: criteria provided, single submitter. Criteria: ACMG Guidelines, 2015. Collection method: clinical testing. Allele origin: germline. Inheritance: Autosomal dominant inheritance. Observed: 1 variant allele, 1 heterozygote.
Comment: This study involves interpretation of variants in research participants for the purpose of population health screening. Participant phenotype was not available at the time of variant classification. Additional details can be found in publication PMID: 35346344, PMCID: PMC8962531

NM_001035.3(RYR2):c.3360T>G (p.Pro1120=)

Gene: RYR2 (ryanodine receptor 2; plus strand). Cytogenetic location: 1q43.
Variant type: single nucleotide variant.
Coding change: c.3360T>G on transcript NM_001035.3 (MANE Select); coding-DNA position 3360, T replaced by G.
Protein change: p.Pro1120=; no amino-acid change (proline 1120 retained).
Molecular consequence: synonymous variant.
Genome position (GRCh38, 1-based): chr1:237,566,712, T>G. VCF-style: chr1-237566712-T-G. GRCh37 (hg19) VCF-style: chr1-237730012-T-G.
Identifiers: ClinVar variation 3069353 (VCV003069353.1), dbSNP rs2148252894, ClinGen allele CA423819196.